The following is an entry in ClinVar:

NM_000222.3(KIT):c.859G>T (p.Val287Leu)

Gene: KIT (KIT proto-oncogene, receptor tyrosine kinase; plus strand). Cytogenetic location: 4q12.
Variant type: single nucleotide variant.
Coding change: c.859G>T on transcript NM_000222.3 (MANE Select); coding-DNA position 859, G replaced by T.
Protein change: p.Val287Leu; replaces valine 287 with leucine.
Molecular consequence: missense variant.
Genome position (GRCh38, 1-based): chr4:54,703,826, G>T. VCF-style: chr4-54703826-G-T. GRCh37 (hg19) VCF-style: chr4-55569992-G-T.
Other names: c.859G>T, p.Val287Leu (NM_001093772.2, NM_001385285.1, NM_001385286.1); c.862G>T, p.Val288Leu (NM_001385284.1, NM_001385288.1, NM_001385290.1 and 1 more transcripts); c.859G>T (NM_000222.2); short protein forms V287L, V288L.
Identifiers: ClinVar variation 1018146 (VCV001018146.11), dbSNP rs1720608499, ClinGen allele CA356899940.
Genomic context (GRCh38, chr4:54,703,826, plus strand): 5'-TTCAATTATGAACGTCAGGCAACGTTGACTATCAGTTCAGCGAGAGTTAATGATTCTGGA[G>T]TGTTCATGTGTTATGCCAATAATACTTTTGGATCAGCAAATGTCACAACAACCTTGGAAG-3'
Protein context (NP_000213.1, residues 277-297): ISSARVNDSG[Val287Leu]FMCYANNTFG

ClinVar aggregate classification (germline): Uncertain significance. Review status: criteria provided, multiple submitters, no conflicts (2 of 4 stars). 2 submissions from 2 submitters: Uncertain significance (2). Last evaluated 2023-03-02.

Conditions:
Hereditary cancer-predisposing syndrome. Also called: Neoplastic Syndromes, Hereditary; Hereditary Cancer Syndrome; Hereditary neoplastic syndrome; Tumor predisposition. Identifiers: Orphanet 140162, MedGen C0027672, MeSH D009386, MONDO:0015356.
Gastrointestinal stromal tumor. Also called: Gastrointestinal stromal tumor, somatic; Gastrointestinal stroma tumor. Identifiers: Orphanet 44890, MedGen C0238198, MeSH D046152, MONDO:0011719, OMIM 606764, HP:0100723.

Submissions (2):

Ambry Genetics
Classification: Uncertain significance for Hereditary cancer-predisposing syndrome. Last evaluated: 2023-03-02. Review status: criteria provided, single submitter. Criteria: Ambry Variant Classification Scheme 2023. Collection method: clinical testing. Allele origin: germline.
Comment: The p.V287L variant (also known as c.859G>T), located in coding exon 5 of the KIT gene, results from a G to T substitution at nucleotide position 859. The valine at codon 287 is replaced by leucine, an amino acid with highly similar properties. This amino acid position is conserved. In addition, this alteration is predicted to be tolerated by in silico analysis. Since supporting evidence is limited at this time, the clinical significance of this alteration remains unclear.

Labcorp Genetics (formerly Invitae), Labcorp
Classification: Uncertain significance for Gastrointestinal stromal tumor. Last evaluated: 2020-10-18. Review status: criteria provided, single submitter. Criteria: Invitae Variant Classification Sherloc (09022015). Collection method: clinical testing. Allele origin: germline.
Comment: This variant has not been reported in the literature in individuals with KIT-related conditions. This variant is not present in population databases (ExAC no frequency). This sequence change replaces valine with leucine at codon 287 of the KIT protein (p.Val287Leu). The valine residue is moderately conserved and there is a small physicochemical difference between valine and leucine. Algorithms developed to predict the effect of missense changes on protein structure and function (SIFT, PolyPhen-2, Align-GVGD) all suggest that this variant is likely to be tolerated, but these predictions have not been confirmed by published functional studies and their clinical significance is uncertain. In summary, the available evidence is currently insufficient to determine the role of this variant in disease. Therefore, it has been classified as a Variant of Uncertain Significance.